The following is an entry in ClinVar:

ClinVar aggregate classification (germline): Uncertain significance (1 of 4 stars; one submission).

Conditions:
Inborn genetic diseases. Identifiers: MedGen C0950123, MeSH D030342.

Submission:

Ambry Genetics
Classification: Uncertain significance for Inborn genetic diseases. Last evaluated: 2025-10-16. Review status: criteria provided, single submitter. Criteria: Ambry Variant Classification Scheme 2023. Collection method: clinical testing. Allele origin: germline.
Comment: The p.D1077G variant (also known as c.3230A>G), located in coding exon 15 of the MECOM gene, results from an A to G substitution at nucleotide position 3230. The aspartic acid at codon 1077 is replaced by glycine, an amino acid with similar properties. This amino acid position is conserved. In addition, this alteration is predicted to be tolerated by in silico analysis. Based on the available evidence, the clinical significance of this variant remains unclear.

NM_004991.4(MECOM):c.3230A>G (p.Asp1077Gly)

Gene: MECOM (MDS1 and EVI1 complex locus; minus strand). Cytogenetic location: 3q26.2.
Variant type: single nucleotide variant.
Coding change: c.3230A>G on transcript NM_004991.4 (MANE Select); coding-DNA position 3230, A replaced by G.
Protein change: p.Asp1077Gly; replaces aspartic acid 1077 with glycine.
Molecular consequence: missense variant.
Genome position (GRCh38, 1-based): chr3:169,090,171, T>C on the plus strand (A>G on the coding strand, the complement: MECOM is on the minus strand). VCF-style: chr3-169090171-T-C. GRCh37 (hg19) VCF-style: chr3-168807959-T-C.
Other names: c.2642A>G, p.Asp881Gly (NM_001163999.2, NM_001366470.2); c.2639A>G, p.Asp880Gly (NM_001164000.2, NM_001366471.2, NM_001366472.2); c.2666A>G, p.Asp889Gly (NM_001205194.2, NM_001366469.2, NM_005241.4 and 1 more transcripts); c.3203A>G, p.Asp1068Gly (NM_001366466.2); c.2669A>G, p.Asp890Gly (NM_001366467.2, NM_001366468.2); c.2231A>G, p.Asp744Gly (NM_001366473.2); c.1667A>G, p.Asp556Gly (NM_001366474.2); c.2861A>G, p.Asp954Gly (NM_001105077.4); short protein forms D889G, D881G, D954G, D556G, D880G, D890G, D1068G, D1077G.
Identifiers: ClinVar variation 4624650 (VCV004624650.1).